The following is an entry in ClinVar:

NM_001374736.1(DST):c.13134T>C (p.Asp4378=)

Gene: DST (dystonin; minus strand). Cytogenetic location: 6p12.1.
Variant type: single nucleotide variant.
Coding change: c.13134T>C on transcript NM_001374736.1 (MANE Select); coding-DNA position 13134, T replaced by C.
Protein change: p.Asp4378=; no amino-acid change (aspartic acid 4378 retained).
Molecular consequence: synonymous variant.
Genome position (GRCh38, 1-based): chr6:56,573,781, A>G on the plus strand (T>C on the coding strand, the complement: DST is on the minus strand). VCF-style: chr6-56573781-A-G. GRCh37 (hg19) VCF-style: chr6-56438579-A-G.
Other names: c.6777T>C, p.Asp2259= (NM_001144769.5); c.6363T>C, p.Asp2121= (NM_001144770.2); c.13134T>C, p.Asp4378= (NM_001374722.1); c.12501T>C, p.Asp4167= (NM_001374729.1); c.6243T>C, p.Asp2081= (NM_001374730.1, NM_001386100.1, NM_183380.4); c.13161T>C, p.Asp4387= (NM_001374734.1); c.5265T>C, p.Asp1755= (NM_015548.5).
Identifiers: ClinVar variation 2953362 (VCV002953362.3), dbSNP rs1326477305, ClinGen allele CA450489627.

ClinVar aggregate classification (germline): Uncertain significance (1 of 4 stars; one submission).

Conditions:
Hereditary sensory and autonomic neuropathy type 6. Also called: HSAN VI; Neuropathy, hereditary sensory and autonomic, type VI. Identifiers: Orphanet 314381, MedGen C3539003, MONDO:0013839, OMIM 614653.
Epidermolysis bullosa simplex 3, localized or generalized intermediate, with BP230 deficiency (EBS3). Also called: Epidermolysis bullosa simplex, autosomal recessive 2; Epidermolysis bullosa simplex due to BP230 deficiency. Identifiers: Orphanet 412181, MedGen C3809470, MONDO:0014180, OMIM 615425.

Allele frequency attached by ClinVar (database versions not stated): gnomAD exomes below 0.00001; TOPMed below 0.00001.
gnomAD v4.1: 1 of 1,613,624 alleles (0.000062%); highest among the groups gnomAD compares: Non-Finnish European, 0.000085%; no homozygotes.

Submission:

Labcorp Genetics (formerly Invitae), Labcorp
Classification: Uncertain significance for Epidermolysis bullosa simplex 3, localized or generalized intermediate, with BP230 deficiency; Hereditary sensory and autonomic neuropathy type 6. Last evaluated: 2023-10-28. Review status: criteria provided, single submitter. Criteria: Invitae Variant Classification Sherloc (09022015). Collection method: clinical testing. Allele origin: germline.
Comment: The DST gene has multiple clinically relevant transcripts. This variant occurs in alternate transcript NM_015548.4, and corresponds to NM_001723.5:c.*41736T>C in the primary transcript. This sequence change affects codon 1755 of the DST mRNA. It is a 'silent' change, meaning that it does not change the encoded amino acid sequence of the DST protein. This variant is not present in population databases (gnomAD no frequency). This variant has not been reported in the literature in individuals affected with DST-related conditions. In summary, the available evidence is currently insufficient to determine the role of this variant in disease. Therefore, it has been classified as a Variant of Uncertain Significance.